The following is an entry in ClinVar:

NM_007294.4(BRCA1):c.2814_2817dup (p.Asp940delinsSerTer)

Gene: BRCA1 (BRCA1 DNA repair associated; minus strand). Cytogenetic location: 17q21.31.
Variant type: Duplication.
Coding change: c.2814_2817dup on transcript NM_007294.4 (MANE Select); coding-DNA positions 2814 to 2817, 4 bases duplicated (AGTT; older notation c.2814_2817dupAGTT).
Protein change: p.Asp940delinsSerTer.
Molecular consequence: nonsense. On other transcripts: intron variant (137).
Genome position (GRCh38, 1-based): chr17:43,092,714-43,092,717, AACT duplicated on the plus strand (AGTT on the coding strand, the reverse complement: BRCA1 is on the minus strand). VCF-style (leftmost placement, unchanged base first): chr17-43092713-C-CAACT. GRCh37 (hg19) VCF-style: chr17-41244730-C-CAACT.
Other names: c.2601_2604dup, p.Asp869delinsSerTer (NM_001407571.1, NM_001407853.1, NM_001407894.1 and 9 more transcripts); c.2814_2817dup, p.Asp940delinsSerTer (NM_001407581.1, NM_001407582.1, NM_001407583.1 and 30 more transcripts); c.2811_2814dup, p.Asp939delinsSerTer (NM_001407587.1, NM_001407590.1, NM_001407591.1 and 22 more transcripts); c.2805_2808dup, p.Asp937delinsSerTer (NM_001407646.1, NM_001407647.1); c.2691_2694dup, p.Asp899delinsSerTer (NM_001407648.1, NM_001407664.1, NM_001407665.1 and 19 more transcripts); c.2688_2691dup, p.Asp898delinsSerTer (NM_001407649.1, NM_001407670.1, NM_001407671.1 and 11 more transcripts); c.2736_2739dup, p.Asp914delinsSerTer (NM_001407653.1, NM_001407654.1, NM_001407655.1 and 4 more transcripts); c.2733_2736dup, p.Asp913delinsSerTer (NM_001407659.1, NM_001407660.1, NM_001407661.1 and 1 more transcripts); and 41 more.
Identifiers: ClinVar variation 5042298 (VCV005042298.1).

ClinVar aggregate classification (germline): Pathogenic (1 of 4 stars; one submission).

Conditions:
Breast-ovarian cancer, familial, susceptibility to, 1 (BROVCA1). Also called: OVARIAN CANCER, SUSCEPTIBILITY TO; BRCA1 Hereditary Breast and Ovarian Cancer. Identifiers: Orphanet 145, MedGen C2676676, MONDO:0011450, OMIM 604370. Disease mechanism: loss of function.

Submission:

Myriad Genetics, Inc.
Classification: Pathogenic for Breast-ovarian cancer, familial, susceptibility to, 1. Last evaluated: 2026-09-21. Review status: criteria provided, single submitter. Criteria: Myriad Autosomal Dominant, Autosomal Recessive and X-Linked Classification Criteria (2023). Collection method: clinical testing. Allele origin: unknown.
Comment: This variant is considered pathogenic. This variant creates a frameshift predicted to result in premature protein truncation.